The following is an entry in ClinVar:

ClinVar aggregate classification (germline): Pathogenic (1 of 4 stars; one submission).

Conditions:
Retinal disorder. Also called: Retinopathy; Retinopathies; Retinal Diseases; Retinal disorders. Identifiers: MedGen C0035309, MONDO:0005283, HP:0000488.

Submission:

Genetics Laboratory, Great Ormond Street Hospital NHS Foundation Trust, North Thames Genomic Laboratory Hub
Classification: Pathogenic for Retinal disorders. Last evaluated: 2026-03-24. Review status: criteria provided, single submitter. Criteria: ACGS Best Practice Guidelines for Variant Classification in Rare Disease 2024 v1.2. Collection method: clinical testing. Allele origin: germline. Affected: yes.
Comment: PM2_moderate, PVS1_very-strong

NM_002335.4(LRP5):c.3098del (p.Ile1033fs)

Gene: LRP5 (LDL receptor related protein 5; plus strand). Cytogenetic location: 11q13.2.
Variant type: Deletion.
Coding change: c.3098del on transcript NM_002335.4 (MANE Select); coding-DNA position 3098, one base deleted (T; older notation c.3098delT).
Protein change: p.Ile1033fs; shifts the reading frame from isoleucine 1033.
Molecular consequence: frameshift variant.
Genome position (GRCh38, 1-based): chr11:68,423,559, T deleted. VCF-style (leftmost placement, unchanged base first): chr11-68423558-AT-A. GRCh37 (hg19) VCF-style: chr11-68191026-AT-A.
Other names: c.1355del, p.Ile452fs (NM_001291902.2); short protein forms I1033fs, I452fs.
Identifiers: ClinVar variation 4851363 (VCV004851363.1).